The following is an entry in ClinVar:

NM_001170535.3(ATAD3A):c.480_500del (p.Glu161_Glu167del)

Gene: ATAD3A (ATPase family AAA domain containing 3A; plus strand). Cytogenetic location: 1p36.33.
Variant type: Deletion.
Coding change: c.480_500del on transcript NM_001170535.3 (MANE Select); coding-DNA positions 480 to 500, 21 bases deleted (GGAGTCCGTGCAGAAGCAGGA).
Protein change: p.Glu161_Glu167del.
Molecular consequence: inframe deletion.
Genome position (GRCh38, 1-based): chr1:1,518,956-1,518,976, GGAGTCCGTGCAGAAGCAGGA deleted; deleting any 21 consecutive bases within chr1:1,518,947-1,518,976 gives the same sequence; the c. name uses the placement nearest the transcript's 3' end. VCF-style (leftmost placement, unchanged base first): chr1-1518946-GGAAGCAGGAGGAGTCCGTGCA-G. GRCh37 (hg19) VCF-style: chr1-1454326-GGAAGCAGGAGGAGTCCGTGCA-G.
Other names: c.243_263del, p.Glu82_Glu88del (NM_001170536.3); c.624_644del, p.Glu209_Glu215del (NM_018188.5).
Identifiers: ClinVar variation 1684261 (VCV001684261.2), dbSNP rs2100654285, ClinGen allele CA2573130660.

ClinVar aggregate classification (germline): Uncertain significance (1 of 4 stars; one submission).

Conditions:
Harel-Yoon syndrome (HAYOS). Also called: Optic atrophy-peripheral neuropathy-developmental delay syndrome. Identifiers: Orphanet 496790, MedGen C4310677, MONDO:0014958, OMIM 617183.

Submission:

Ophthalmology Department, Faculty of Medicine, Ain Shams University
Classification: Uncertain significance for Harel-Yoon Syndrome. Review status: criteria provided, single submitter. Criteria: ACMG Guidelines, 2015. Collection method: clinical testing. Allele origin: somatic. Affected: yes. Observed: 1 variant allele.